The following is an entry in ClinVar:

ClinVar aggregate classification (germline): Uncertain significance (1 of 4 stars; one submission).

gnomAD v4.1: 3 of 1,614,104 alleles (0.00019%); highest among the groups gnomAD compares: South Asian, 0.0033%; no homozygotes.

Submission:

Ambry Genetics
Classification: Uncertain significance. Last evaluated: 2025-11-13. Review status: criteria provided, single submitter. Criteria: Ambry Variant Classification Scheme 2023. Collection method: clinical testing. Allele origin: germline.
Comment: The p.H230R variant (also known as c.689A>G), located in coding exon 1 of the EGLN1 gene, results from an A to G substitution at nucleotide position 689. The histidine at codon 230 is replaced by arginine, an amino acid with highly similar properties. This amino acid position is conserved. In addition, this alteration is predicted to be tolerated by in silico analysis. Based on the available evidence, the clinical significance of this variant remains unclear.

NM_022051.3(EGLN1):c.689A>G (p.His230Arg)

Gene: EGLN1 (egl-9 family hypoxia inducible factor 1; minus strand). Cytogenetic location: 1q42.2.
Variant type: single nucleotide variant.
Coding change: c.689A>G on transcript NM_022051.3 (MANE Select); coding-DNA position 689, A replaced by G.
Protein change: p.His230Arg; replaces histidine 230 with arginine.
Molecular consequence: missense variant.
Genome position (GRCh38, 1-based): chr1:231,421,200, T>C on the plus strand (A>G on the coding strand, the complement: EGLN1 is on the minus strand). VCF-style: chr1-231421200-T-C. GRCh37 (hg19) VCF-style: chr1-231556946-T-C.
Other names: c.689A>G, p.His230Arg (NM_001377260.1, NM_001377261.1); short protein forms H230R.
Identifiers: ClinVar variation 4663414 (VCV004663414.1).